The following is an entry in ClinVar:

NM_000032.5(ALAS2):c.1084G>A (p.Val362Ile)

Gene: ALAS2 (5'-aminolevulinate synthase 2; minus strand). Cytogenetic location: Xp11.21.
Variant type: single nucleotide variant.
Coding change: c.1084G>A on transcript NM_000032.5 (MANE Select); coding-DNA position 1084, G replaced by A.
Protein change: p.Val362Ile; replaces valine 362 with isoleucine.
Molecular consequence: missense variant.
Genome position (GRCh38, 1-based): chrX:55,015,662, C>T on the plus strand (G>A on the coding strand, the complement: ALAS2 is on the minus strand). VCF-style: chrX-55015662-C-T. GRCh37 (hg19) VCF-style: chrX-55042095-C-T.
Other names: c.973G>A, p.Val325Ile (NM_001037967.4); c.1045G>A, p.Val349Ile (NM_001037968.4); short protein forms V325I, V349I, V362I.
Identifiers: ClinVar variation 2821634 (VCV002821634.3), dbSNP rs1935686442, ClinGen allele CA413293594.

ClinVar aggregate classification (germline): Uncertain significance (1 of 4 stars; one submission).

Allele frequency attached by ClinVar (database versions not stated): gnomAD 0.00001; gnomAD exomes 0.00001.
gnomAD v4.1: 7 of 1,209,029 alleles (0.00058%); highest among the groups gnomAD compares: African/African-American, 0.0018%; no homozygotes.

Submission:

Labcorp Genetics (formerly Invitae), Labcorp
Classification: Uncertain significance. Last evaluated: 2022-12-16. Review status: criteria provided, single submitter. Criteria: Invitae Variant Classification Sherloc (09022015). Collection method: clinical testing. Allele origin: germline.
Comment: This sequence change replaces valine, which is neutral and non-polar, with isoleucine, which is neutral and non-polar, at codon 362 of the ALAS2 protein (p.Val362Ile). This variant is not present in population databases (gnomAD no frequency). This variant has not been reported in the literature in individuals affected with ALAS2-related conditions. Advanced modeling of protein sequence and biophysical properties (such as structural, functional, and spatial information, amino acid conservation, physicochemical variation, residue mobility, and thermodynamic stability) has been performed at Invitae for this missense variant, however the output from this modeling did not meet the statistical confidence thresholds required to predict the impact of this variant on ALAS2 protein function. In summary, the available evidence is currently insufficient to determine the role of this variant in disease. Therefore, it has been classified as a Variant of Uncertain Significance.